The following is an entry in ClinVar:

NM_001106.4(ACVR2B):c.*204C>T

Gene: ACVR2B (activin A receptor type 2B; plus strand). Cytogenetic location: 3p22.2.
Variant type: single nucleotide variant.
Coding change: c.*204C>T on transcript NM_001106.4 (MANE Select); 204 bases downstream of the stop codon, C replaced by T.
Molecular consequence: 3 prime UTR variant.
Genome position (GRCh38, 1-based): chr3:38,483,536, C>T. VCF-style: chr3-38483536-C-T. GRCh37 (hg19) VCF-style: chr3-38525027-C-T.
Identifiers: ClinVar variation 344926 (VCV000344926.6), dbSNP rs183119680, ClinGen allele CA10616228.

ClinVar aggregate classification (germline): Benign. Review status: criteria provided, multiple submitters, no conflicts (2 of 4 stars). 2 submissions from 2 submitters: Benign (2). Last evaluated 2018-01-13.

Conditions:
Heterotaxy, visceral, 4, autosomal (HTX4). Identifiers: Orphanet 450, MedGen C3151057, MONDO:0013403, OMIM 613751.

Allele frequency attached by ClinVar (database versions not stated): gnomAD exomes 0.00143; gnomAD 0.00301 and 0.00318; TOPMed 0.00503; 1000 Genomes Project 30x 0.00625; 1000 Genomes Project 0.00639.

Submissions (2):

Illumina Laboratory Services, Illumina
Classification: Benign for Heterotaxy, visceral, 4, autosomal. Last evaluated: 2018-01-13. Review status: criteria provided, single submitter. Criteria: ICSL Variant Classification Criteria 13 December 2019. Collection method: clinical testing. Allele origin: germline.
Comment: This variant was observed in the ICSL laboratory as part of a predisposition screen in an ostensibly healthy population. It had not been previously curated by ICSL or reported in the Human Gene Mutation Database (HGMD: prior to June 1st, 2018), and was therefore a candidate for classification through an automated scoring system. Utilizing variant allele frequency, disease prevalence and penetrance estimates, and inheritance mode, an automated score was calculated to assess if this variant is too frequent to cause the disease. Based on the score and internal cut-off values, a variant classified as benign is not then subjected to further curation. The score for this variant resulted in a classification of benign for this disease.

Breakthrough Genomics
Classification: Benign. Review status: criteria provided, single submitter. Criteria: ACMG Guidelines, 2015. Collection method: not provided. Allele origin: germline. Inheritance: Unknown mechanism. Affected: yes.